The following is an entry in ClinVar:

ClinVar aggregate classification (germline): Likely pathogenic (0 of 4 stars; one submission).

Conditions:
Primary dilated cardiomyopathy (DCM). Also called: Dilated Cardiomyopathy. Identifiers: Orphanet 217604, MedGen C0007193, MeSH D002311, MONDO:0005021, HP:0001644. Inheritance: Various modes of inheritance.

Submission:

Heart Failure and Familial Heart Diseases Unit, Hospital Universitario Virgen de la Victoria
Classification: Likely pathogenic for Primary dilated cardiomyopathy. Last evaluated: 2020-11-08. Review status: no assertion criteria provided. Collection method: clinical testing. Allele origin: unknown. Inheritance: Autosomal dominant inheritance. Affected: yes. Observed: 4 variant alleles.
Comment: This variant has not been described in controls but has been found in subjects from 3 families in the geographical area of Andalusia and Badajoz with a compatible phenotype (dilated cardiomyopathy and/or ventricular arrhythmia or sudden death), which means we cannot rule out a common founder effect in the region. We also describe arrhythmic events recorded during follow-up. It should be noted that one of the patients had to undergo an ablation of the VT focus due to the high-density of the events. Four patients (50%) required ICD implantation, for secondary prevention in two cases and with cardiac resynchronisation therapy (CRT-D) in another.

Literature cited by the submitters: PubMed 30871351.

NM_001134363.3(RBM20):c.1793A>C (p.Gln598Pro)

Gene: RBM20 (RNA binding motif protein 20; plus strand). Cytogenetic location: 10q25.2.
Variant type: single nucleotide variant.
Coding change: c.1793A>C on transcript NM_001134363.3 (MANE Select); coding-DNA position 1793, A replaced by C.
Protein change: p.Gln598Pro; replaces glutamine 598 with proline.
Molecular consequence: missense variant.
Genome position (GRCh38, 1-based): chr10:110,799,911, A>C. VCF-style: chr10-110799911-A-C. GRCh37 (hg19) VCF-style: chr10-112559669-A-C.
Other names: short protein forms Q598P.
Identifiers: ClinVar variation 1065528 (VCV001065528.4), dbSNP rs2135078982, ClinGen allele CA378390902.